The following is an entry in ClinVar:

NM_014008.5(CCDC22):c.1091A>G (p.Gln364Arg)

Gene: CCDC22 (CCC complex scaffolding subunit CCDC22; plus strand). Cytogenetic location: Xp11.23.
Variant type: single nucleotide variant.
Coding change: c.1091A>G on transcript NM_014008.5 (MANE Select); coding-DNA position 1091, A replaced by G.
Protein change: p.Gln364Arg; replaces glutamine 364 with arginine.
Molecular consequence: missense variant.
Genome position (GRCh38, 1-based): chrX:49,247,767, A>G. VCF-style: chrX-49247767-A-G. GRCh37 (hg19) VCF-style: chrX-49104228-A-G.
Other names: NC_000023.10:g.49104228A>G; short protein forms Q364R.
Identifiers: ClinVar variation 3896083 (VCV003896083.2).
Genomic context (GRCh38, chrX:49,247,767, plus strand): 5'-TGAACCGCAGCATTGAGGAGGTTGAGGCCGACATGAAGACCCTGGGCGTCAGCTTTGTGC[A>G]GGTAAGGGGCGGAGGAGGGGCTGCGCGTTGGGCTAGGTCAGAAGGAGGGCCTCGGGGTGT-3'
Protein context (NP_054727.1, residues 354-374): DMKTLGVSFV[Gln364Arg]AESECRHSKL

ClinVar aggregate classification (germline): Uncertain significance (1 of 4 stars; one submission).

gnomAD v4.1: 7 of 1,209,484 alleles (0.00058%); highest among the groups gnomAD compares: South Asian, 0.012%; no homozygotes.

Submissions (2):

Women's Health and Genetics/Laboratory Corporation of America, LabCorp
Classification: Uncertain significance. Last evaluated: 2025-03-19. Review status: criteria provided, single submitter. Criteria: LabCorp Variant Classification Summary - May 2015. Collection method: clinical testing. Allele origin: germline.
Comment: Variant summary: CCDC22 c.1091A>G (p.Gln364Arg) results in a conservative amino acid change in the encoded protein sequence. Three of five in-silico tools predict a damaging effect of the variant on protein function. The variant was absent in 178989 control chromosomes. The available data on variant occurrences in the general population are insufficient to allow any conclusion about variant significance. To our knowledge, no occurrence of c.1091A>G in individuals affected with Ritscher-Schinzel Syndrome 2 and no experimental evidence demonstrating its impact on protein function have been reported. No submitters have cited clinical-significance assessments for this variant to ClinVar. Based on the evidence outlined above, the variant was classified as uncertain significance.

Dr. Peter K. Rogan Lab, Western University
No classification provided (evidence only). Condition: Nonpapillary renal cell carcinoma. Review status: no classification provided. Collection method: in vitro. Allele origin: not applicable. Functional consequence: retained intron. Not counted in ClinVar's aggregate classification.